The following is an entry in ClinVar:

ClinVar aggregate classification (germline): Uncertain significance (1 of 4 stars; one submission).

gnomAD v4.1: 14 of 1,614,092 alleles (0.00087%); highest among the groups gnomAD compares: Non-Finnish European, 0.0012%; no homozygotes.

Submission:

Ambry Genetics
Classification: Uncertain significance. Last evaluated: 2025-05-23. Review status: criteria provided, single submitter. Criteria: Ambry Variant Classification Scheme 2023. Collection method: clinical testing. Allele origin: germline.
Comment: The p.T246I variant (also known as c.737C>T), located in coding exon 1 of the TET2 gene, results from a C to T substitution at nucleotide position 737. The threonine at codon 246 is replaced by isoleucine, an amino acid with similar properties. This amino acid position is conserved. In addition, this alteration is predicted to be tolerated by in silico analysis. Based on the available evidence, the clinical significance of this variant remains unclear.

NM_001127208.3(TET2):c.737C>T (p.Thr246Ile)

Genes: TET2 (tet methylcytosine dioxygenase 2; plus strand), TET2-AS1 (TET2 antisense RNA 1; minus strand). Cytogenetic location: 4q24.
Variant type: single nucleotide variant.
Coding change: c.737C>T on transcript NM_001127208.3 (MANE Select); coding-DNA position 737, C replaced by T.
Protein change: p.Thr246Ile; replaces threonine 246 with isoleucine.
Molecular consequence: missense variant.
Genome position (GRCh38, 1-based): chr4:105,234,679, C>T. VCF-style: chr4-105234679-C-T. GRCh37 (hg19) VCF-style: chr4-106155836-C-T.
Other names: c.737C>T, p.Thr246Ile (NM_017628.4); short protein forms T246I.
Identifiers: ClinVar variation 3967660 (VCV003967660.1).